The following is an entry in ClinVar:

ClinVar aggregate classification (germline): Uncertain significance (1 of 4 stars; one submission).

Conditions:
Inborn genetic diseases. Identifiers: MedGen C0950123, MeSH D030342.

Submission:

Ambry Genetics
Classification: Uncertain significance for Inborn genetic diseases. Last evaluated: 2024-12-25. Review status: criteria provided, single submitter. Criteria: Ambry Variant Classification Scheme 2023. Collection method: clinical testing. Allele origin: germline.
Comment: The p.L1438S variant (also known as c.4313T>C), located in coding exon 1 of the SAMD9 gene, results from a T to C substitution at nucleotide position 4313. The leucine at codon 1438 is replaced by serine, an amino acid with dissimilar properties. This amino acid position is conserved. In addition, the in silico prediction for this alteration is inconclusive. Based on the available evidence, the clinical significance of this variant remains unclear.

NM_017654.4(SAMD9):c.4313T>C (p.Leu1438Ser)

Gene: SAMD9 (sterile alpha motif domain containing 9; minus strand). Cytogenetic location: 7q21.2.
Variant type: single nucleotide variant.
Coding change: c.4313T>C on transcript NM_017654.4 (MANE Select); coding-DNA position 4313, T replaced by C.
Protein change: p.Leu1438Ser; replaces leucine 1438 with serine.
Molecular consequence: missense variant.
Genome position (GRCh38, 1-based): chr7:93,101,785, A>G on the plus strand (T>C on the coding strand, the complement: SAMD9 is on the minus strand). VCF-style: chr7-93101785-A-G. GRCh37 (hg19) VCF-style: chr7-92731098-A-G.
Other names: c.4313T>C, p.Leu1438Ser (NM_001193307.2); short protein forms L1438S.
Identifiers: ClinVar variation 3791951 (VCV003791951.1).
Genomic context (GRCh38, chr7:93,101,785, plus strand): 5'-TGAGCATACTCTTTCATTTGTTCAGAATGTTGATCTAGTTGTTGATTTTCTGGCCAGAAT[A>G]AGAGGGAAGCTAGAAAATACGGTTCTGAAAACTGATAAGTCAGTCCTATTGGTTGCAAGA-3'
Protein context (NP_060124.2, residues 1428-1448): FSEPYFLASL[Leu1438Ser]FWPENQQLDQ